The following is an entry in ClinVar:

ClinVar aggregate classification (germline): Conflicting classifications of pathogenicity. Review status: criteria provided, conflicting classifications (1 of 4 stars). 5 submissions from 5 submitters: Uncertain significance (1); Likely benign (4). Last evaluated 2025-11-26.

Conditions:
Familial thoracic aortic aneurysm and aortic dissection (TAAD). Also called: Thoracic aortic aneurysms and dissections. Identifiers: Orphanet 91387, MedGen C4707243, MONDO:0019625.
Arterial tortuosity syndrome (ATORS). Identifiers: Orphanet 3342, MedGen C1859726, MONDO:0008818, OMIM 208050.

Allele frequency attached by ClinVar (database versions not stated): ExAC 0.00001; gnomAD 0.00001; TOPMed 0.00001.
gnomAD v4.1: 29 of 1,612,566 alleles (0.0018%); highest among the groups gnomAD compares: Non-Finnish European, 0.0025%; no homozygotes.

Submissions (5):

Mayo Clinic Laboratories, Mayo Clinic
Classification: Likely benign. Last evaluated: 2025-11-26. Review status: criteria provided, single submitter. Criteria: ACMG Guidelines, 2015. Collection method: clinical testing. Allele origin: germline. Observed: 1 variant allele.
Comment: BP4, BP7

Labcorp Genetics (formerly Invitae), Labcorp
Classification: Likely benign for Arterial tortuosity syndrome. Last evaluated: 2025-07-08. Review status: criteria provided, single submitter. Criteria: Invitae Variant Classification Sherloc (09022015). Collection method: clinical testing. Allele origin: germline.

Ambry Genetics
Classification: Likely benign for Familial thoracic aortic aneurysm and aortic dissection. Last evaluated: 2019-08-01. Review status: criteria provided, single submitter. Criteria: Ambry Variant Classification Scheme 2023. Collection method: clinical testing. Allele origin: germline.

Illumina Laboratory Services, Illumina
Classification: Uncertain significance for Arterial tortuosity syndrome. Last evaluated: 2018-01-12. Review status: criteria provided, single submitter. Criteria: ICSL Variant Classification Criteria 13 December 2019. Collection method: clinical testing. Allele origin: germline.

GeneDx
Classification: Likely benign. Last evaluated: 2016-11-10. Review status: criteria provided, single submitter. Criteria: GeneDx Variant Classification (06012015). Collection method: clinical testing. Allele origin: germline. Affected: yes.
Comment: This variant is considered likely benign or benign based on one or more of the following criteria: it is a conservative change, it occurs at a poorly conserved position in the protein, it is predicted to be benign by multiple in silico algorithms, and/or has population frequency not consistent with disease.

NM_030777.4(SLC2A10):c.1305C>T (p.Leu435=)

Gene: SLC2A10 (solute carrier family 2 member 10; plus strand). Cytogenetic location: 20q13.12.
Variant type: single nucleotide variant.
Coding change: c.1305C>T on transcript NM_030777.4 (MANE Select); coding-DNA position 1305, C replaced by T.
Protein change: p.Leu435=; no amino-acid change (leucine 435 retained).
Molecular consequence: synonymous variant.
Genome position (GRCh38, 1-based): chr20:46,726,880, C>T. VCF-style: chr20-46726880-C-T. GRCh37 (hg19) VCF-style: chr20-45355519-C-T.
Other names: p.Leu435=.
Identifiers: ClinVar variation 338596 (VCV000338596.17), dbSNP rs201159437, ClinGen allele CA9892163.
Genomic context (GRCh38, chr20:46,726,880, plus strand): 5'-AGGTCCCACCACAGCCCAGGAGCCCTCCTGCTCTCCCACCCTAGTGACCTGGCTTGTCCT[C>T]AGCGAGATCTACCCTGTGGAGATACGAGGAAGAGCCTTCGCCTTCTGCAACAGCTTCAAC-3'
Protein context (NP_110404.1, residues 425-445): FGFGPVTWLV[Leu435=]SEIYPVEIRG